The following is an entry in ClinVar:

NM_004656.4(BAP1):c.1574C>T (p.Ser525Phe)

Gene: BAP1 (BRCA1 associated deubiquitinase 1; minus strand). Cytogenetic location: 3p21.1.
Variant type: single nucleotide variant.
Coding change: c.1574C>T on transcript NM_004656.4 (MANE Select); coding-DNA position 1574, C replaced by T.
Protein change: p.Ser525Phe; replaces serine 525 with phenylalanine.
Molecular consequence: missense variant.
Genome position (GRCh38, 1-based): chr3:52,403,571, G>A on the plus strand (C>T on the coding strand, the complement: BAP1 is on the minus strand). VCF-style: chr3-52403571-G-A. GRCh37 (hg19) VCF-style: chr3-52437587-G-A.
Other names: c.1520C>T, p.Ser507Phe (NM_001410772.1); short protein forms S525F, S507F.
Identifiers: ClinVar variation 4773657 (VCV004773657.2).

ClinVar aggregate classification (germline): Uncertain significance. Review status: criteria provided, multiple submitters, no conflicts (2 of 4 stars). 2 submissions from 2 submitters: Uncertain significance (2). Last evaluated 2026-07-07.

Conditions:
BAP1-related tumor predisposition syndrome (TPDS1). Also called: COMMON Syndrome; TUMOR PREDISPOSITION SYNDROME 1; BAP1 tumor predisposition syndrome; Tumor susceptibility linked to germline BAP1 mutations. Identifiers: Orphanet 289539, MedGen C3280492, MONDO:0013692, OMIM 614327.
Hereditary cancer-predisposing syndrome. Also called: Hereditary Cancer Syndrome; Hereditary neoplastic syndrome; Neoplastic Syndromes, Hereditary; Tumor predisposition. Identifiers: Orphanet 140162, MedGen C0027672, MeSH D009386, MONDO:0015356.

Submissions (2):

Ambry Genetics
Classification: Uncertain significance for Hereditary cancer-predisposing syndrome. Last evaluated: 2026-07-07. Review status: criteria provided, single submitter. Criteria: Ambry Variant Classification Scheme 2023. Collection method: clinical testing. Allele origin: germline.
Comment: The p.S525F variant (also known as c.1574C>T), located in coding exon 13 of the BAP1 gene, results from a C to T substitution at nucleotide position 1574. The serine at codon 525 is replaced by phenylalanine, an amino acid with highly dissimilar properties. This amino acid position is conserved. In addition, the in silico prediction for this alteration is inconclusive. Based on the available evidence, the clinical significance of this variant remains unclear.

Labcorp Genetics (formerly Invitae), Labcorp
Classification: Uncertain significance for BAP1-related tumor predisposition syndrome. Last evaluated: 2025-03-03. Review status: criteria provided, single submitter. Criteria: Invitae Variant Classification Sherloc (09022015). Collection method: clinical testing. Allele origin: germline.
Comment: This sequence change replaces serine, which is neutral and polar, with phenylalanine, which is neutral and non-polar, at codon 525 of the BAP1 protein (p.Ser525Phe). This variant is not present in population databases (gnomAD no frequency). This variant has not been reported in the literature in individuals affected with BAP1-related conditions. Invitae Evidence Modeling of protein sequence and biophysical properties (such as structural, functional, and spatial information, amino acid conservation, physicochemical variation, residue mobility, and thermodynamic stability) indicates that this missense variant is not expected to disrupt BAP1 protein function with a negative predictive value of 80%. In summary, the available evidence is currently insufficient to determine the role of this variant in disease. Therefore, it has been classified as a Variant of Uncertain Significance.